The following is an entry in ClinVar:

NM_000557.5(GDF5):c.466C>T (p.Arg156Ter)

Gene: GDF5 (growth differentiation factor 5; minus strand). Cytogenetic location: 20q11.22.
Variant type: single nucleotide variant.
Coding change: c.466C>T on transcript NM_000557.5 (MANE Select); coding-DNA position 466, C replaced by T.
Protein change: p.Arg156Ter; replaces arginine 156 with a stop codon.
Molecular consequence: nonsense.
Genome position (GRCh38, 1-based): chr20:35,437,463, G>A on the plus strand (C>T on the coding strand, the complement: GDF5 is on the minus strand). VCF-style: chr20-35437463-G-A. GRCh37 (hg19) VCF-style: chr20-34025243-G-A.
Other names: c.466C>T, p.Arg156Ter (NM_001319138.2); short protein forms R156*.
Identifiers: ClinVar variation 489377 (VCV000489377.12), dbSNP rs1194065564, ClinGen allele CA408743517.

ClinVar aggregate classification (germline): Pathogenic/Likely pathogenic. Review status: criteria provided, multiple submitters, no conflicts (2 of 4 stars). 3 submissions from 3 submitters: Pathogenic (2); Likely pathogenic (1). Last evaluated 2025-04-26.

Conditions:
GDF5-related disorder. Also called: GDF5-related condition; GDF5 (CDMP1)-related disorder. Identifiers: MedGen CN169990.

Submissions (3):

Labcorp Genetics (formerly Invitae), Labcorp
Classification: Pathogenic. Last evaluated: 2025-04-26. Review status: criteria provided, single submitter. Criteria: Invitae Variant Classification Sherloc (09022015). Collection method: clinical testing. Allele origin: germline.
Comment: This sequence change creates a premature translational stop signal (p.Arg156*) in the GDF5 gene. It is expected to result in an absent or disrupted protein product. Loss-of-function variants in GDF5 are known to be pathogenic (PMID: 8589725, 9288091, 12121354, 12357473, 27577507). This variant is present in population databases (no rsID available, gnomAD 0.003%). This variant has not been reported in the literature in individuals affected with GDF5-related conditions. ClinVar contains an entry for this variant (Variation ID: 489377). For these reasons, this variant has been classified as Pathogenic.

GeneDx
Classification: Likely pathogenic. Last evaluated: 2024-12-22. Review status: criteria provided, single submitter. Criteria: GeneDx Variant Classification Process June 2021. Collection method: clinical testing. Allele origin: germline. Affected: yes.
Comment: Nonsense variant predicted to result in protein truncation or nonsense mediated decay in a gene for which loss of function is a known mechanism of disease; Not observed at significant frequency in large population cohorts (gnomAD); Has not been previously published as pathogenic or benign to our knowledge

Blueprint Genetics
Classification: Pathogenic for GDF5-related disorders. Last evaluated: 2022-07-05. Review status: criteria provided, single submitter. Criteria: ACMG Guidelines, 2015. Collection method: clinical testing. Allele origin: germline. Affected: yes. Observed: 2 variant alleles.

Literature cited by the submitters: PubMed 8589725 (cited by Labcorp Genetics (formerly Invitae), Labcorp); PubMed 9288091 (cited by Labcorp Genetics (formerly Invitae), Labcorp); PubMed 12121354 (cited by Labcorp Genetics (formerly Invitae), Labcorp); PubMed 12357473 (cited by Labcorp Genetics (formerly Invitae), Labcorp); PubMed 27577507 (cited by Labcorp Genetics (formerly Invitae), Labcorp).